The following is an entry in ClinVar:

NM_001130438.3(SPTAN1):c.2902G>C (p.Gly968Arg)

Gene: SPTAN1 (spectrin alpha, non-erythrocytic 1; plus strand). Cytogenetic location: 9q34.11.
Variant type: single nucleotide variant.
Coding change: c.2902G>C on transcript NM_001130438.3 (MANE Select); coding-DNA position 2902, G replaced by C.
Protein change: p.Gly968Arg; replaces glycine 968 with arginine.
Molecular consequence: missense variant.
Genome position (GRCh38, 1-based): chr9:128,588,839, G>C. VCF-style: chr9-128588839-G-C. GRCh37 (hg19) VCF-style: chr9-131351118-G-C.
Other names: c.2902G>C, p.Gly968Arg (NM_001195532.2, NM_001363759.2, NM_001363765.2 and 5 more transcripts); c.2938G>C, p.Gly980Arg (NM_001375312.2, NM_001375318.1); short protein forms G968R, G980R.
Identifiers: ClinVar variation 1519563 (VCV001519563.9), dbSNP rs2131266449, ClinGen allele CA375059739.
Genomic context (GRCh38, chr9:128,588,839, plus strand): 5'-ACCATGTTTGCCCTTCCTTTGGATTTTTAGCAACAAGTGGCCCCCACGGATGATGAGACT[G>C]GGAAGGAGCTGGTCTTGGCTCTCTACGACTATCAGGAGAAGAGTCCCCGAGAGGTCACCA-3'
Protein context (NP_001123910.1, residues 958-978): QQVAPTDDET[Gly968Arg]KELVLALYDY

ClinVar aggregate classification (germline): Uncertain significance (1 of 4 stars; one submission).

Conditions:
Early-infantile DEE. Also called: Ohtahara syndrome; Early infantile epileptic encephalopathy; Early infantile epileptic encephalopathy with suppression bursts. Identifiers: Orphanet 1934, MedGen C0393706, MONDO:0800491.

Submission:

Labcorp Genetics (formerly Invitae), Labcorp
Classification: Uncertain significance for Early-infantile DEE. Last evaluated: 2021-04-18. Review status: criteria provided, single submitter. Criteria: Invitae Variant Classification Sherloc (09022015). Collection method: clinical testing. Allele origin: germline.
Comment: In summary, the available evidence is currently insufficient to determine the role of this variant in disease. Therefore, it has been classified as a Variant of Uncertain Significance. Algorithms developed to predict the effect of missense changes on protein structure and function (SIFT, PolyPhen-2, Align-GVGD) all suggest that this variant is likely to be disruptive, but these predictions have not been confirmed by published functional studies and their clinical significance is uncertain. This variant has not been reported in the literature in individuals with SPTAN1-related conditions. This variant is not present in population databases (ExAC no frequency). This sequence change replaces glycine with arginine at codon 968 of the SPTAN1 protein (p.Gly968Arg). The glycine residue is highly conserved and there is a moderate physicochemical difference between glycine and arginine.